The following is an entry in ClinVar:

ClinVar aggregate classification (germline): Uncertain significance. Review status: criteria provided, multiple submitters, no conflicts (2 of 4 stars). 3 submissions from 3 submitters: Uncertain significance (2). 1 of the submissions does not count toward it. Last evaluated 2025-08-08.

Conditions:
Hereditary cancer-predisposing syndrome. Also called: Hereditary neoplastic syndrome; Neoplastic Syndromes, Hereditary; Tumor predisposition; Hereditary Cancer Syndrome. Identifiers: Orphanet 140162, MedGen C0027672, MeSH D009386, MONDO:0015356.
Hereditary breast ovarian cancer syndrome. Also called: Hereditary breast and/or ovarian cancer syndrome; BRCA1- and BRCA2-Associated Hereditary Breast and Ovarian Cancer; Hereditary breast and ovarian cancer; Breast and ovarian cancer; Hereditary breast and ovarian cancer syndrome; Hereditary breast and ovarian cancer syndrome (HBOC). Identifiers: Orphanet 145, MedGen C0677776, MeSH D061325, MONDO:0003582. Disease mechanism: loss of function.
Breast-ovarian cancer, familial, susceptibility to, 2 (BROVCA2). Also called: BRCA2 Hereditary Breast and Ovarian Cancer. Identifiers: Orphanet 145, MedGen C2675520, MONDO:0012933, OMIM 612555. Disease mechanism: loss of function.

Allele frequency attached by ClinVar (database versions not stated): gnomAD exomes below 0.00001.
gnomAD v4.1: 4 of 1,611,088 alleles (0.00025%); highest among the groups gnomAD compares: Non-Finnish European, 0.00034%; no homozygotes.

Submissions (3):

Ambry Genetics
Classification: Uncertain significance for Hereditary cancer-predisposing syndrome. Last evaluated: 2025-08-08. Review status: criteria provided, single submitter. Criteria: Ambry Variant Classification Scheme 2023. Collection method: clinical testing. Allele origin: germline.
Comment: The p.P201S variant (also known as c.601C>T), located in coding exon 6 of the BRCA2 gene, results from a C to T substitution at nucleotide position 601. The proline at codon 201 is replaced by serine, an amino acid with similar properties. This amino acid position is highly conserved in available vertebrate species. In addition, this alteration is predicted to be tolerated by in silico analysis. Since supporting evidence is limited at this time, the clinical significance of this alteration remains unclear.

Labcorp Genetics (formerly Invitae), Labcorp
Classification: Uncertain significance for Hereditary breast ovarian cancer syndrome. Last evaluated: 2025-04-23. Review status: criteria provided, single submitter. Criteria: Invitae Variant Classification Sherloc (09022015). Collection method: clinical testing. Allele origin: germline.
Comment: This sequence change replaces proline, which is neutral and non-polar, with serine, which is neutral and polar, at codon 201 of the BRCA2 protein (p.Pro201Ser). This variant is not present in population databases (gnomAD no frequency). This missense change has been observed in individual(s) with clinical features of BRCA2-related conditions (PMID: 21520333). ClinVar contains an entry for this variant (Variation ID: 462396). Invitae Evidence Modeling of protein sequence and biophysical properties (such as structural, functional, and spatial information, amino acid conservation, physicochemical variation, residue mobility, and thermodynamic stability) indicates that this missense variant is not expected to disrupt BRCA2 protein function with a negative predictive value of 95%. In summary, the available evidence is currently insufficient to determine the role of this variant in disease. Therefore, it has been classified as a Variant of Uncertain Significance.

BRCAlab, Lund University
Classification: Uncertain significance for Breast-ovarian cancer, familial, susceptibility to, 2. Last evaluated: 2020-03-02. Review status: no assertion criteria provided. Collection method: clinical testing. Allele origin: germline. Affected: yes. Not counted in ClinVar's aggregate classification.

Literature cited by the submitters: PubMed 21520333 (cited by Labcorp Genetics (formerly Invitae), Labcorp).

NM_000059.4(BRCA2):c.601C>T (p.Pro201Ser)

Gene: BRCA2 (BRCA2 DNA repair associated; plus strand). Cytogenetic location: 13q13.1.
Variant type: single nucleotide variant.
Coding change: c.601C>T on transcript NM_000059.4 (MANE Select); coding-DNA position 601, C replaced by T.
Protein change: p.Pro201Ser; replaces proline 201 with serine.
Molecular consequence: missense variant.
Genome position (GRCh38, 1-based): chr13:32,326,583, C>T. VCF-style: chr13-32326583-C-T. GRCh37 (hg19) VCF-style: chr13-32900720-C-T.
Other names: short protein forms P201S.
Identifiers: ClinVar variation 462396 (VCV000462396.12), dbSNP rs1555281093, ClinGen allele CA387758209.